The following is an entry in ClinVar:

ClinVar aggregate classification (germline): Uncertain significance (1 of 4 stars; one submission).

Conditions:
Lymphoproliferative syndrome 1 (LPFS1). Identifiers: Orphanet 238505, Orphanet 538963, MedGen C3552634, MONDO:0013081, OMIM 613011.

Submission:

Labcorp Genetics (formerly Invitae), Labcorp
Classification: Uncertain significance for Lymphoproliferative syndrome 1. Last evaluated: 2022-08-19. Review status: criteria provided, single submitter. Criteria: Invitae Variant Classification Sherloc (09022015). Collection method: clinical testing. Allele origin: germline.
Comment: This sequence change replaces asparagine, which is neutral and polar, with threonine, which is neutral and polar, at codon 286 of the ITK protein (p.Asn286Thr). In summary, the available evidence is currently insufficient to determine the role of this variant in disease. Therefore, it has been classified as a Variant of Uncertain Significance. This variant is not present in population databases (gnomAD no frequency). This variant has not been reported in the literature in individuals affected with ITK-related conditions. Advanced modeling of protein sequence and biophysical properties (such as structural, functional, and spatial information, amino acid conservation, physicochemical variation, residue mobility, and thermodynamic stability) performed at Invitae indicates that this missense variant is not expected to disrupt ITK protein function.

NM_005546.4(ITK):c.857A>C (p.Asn286Thr)

Gene: ITK (IL2 inducible T cell kinase; plus strand). Cytogenetic location: 5q33.3.
Variant type: single nucleotide variant.
Coding change: c.857A>C on transcript NM_005546.4 (MANE Select); coding-DNA position 857, A replaced by C.
Protein change: p.Asn286Thr; replaces asparagine 286 with threonine.
Molecular consequence: missense variant.
Genome position (GRCh38, 1-based): chr5:157,240,067, A>C. VCF-style: chr5-157240067-A-C. GRCh37 (hg19) VCF-style: chr5-156667077-A-C.
Other names: short protein forms N286T.
Identifiers: ClinVar variation 1716804 (VCV001716804.5), dbSNP rs2480597842, ClinGen allele CA361957741.